The following is an entry in ClinVar:

NM_002890.3(RASA1):c.2972T>C (p.Leu991Pro)

Genes: CCNH (cyclin H; minus strand), RASA1 (RAS p21 protein activator 1; plus strand). Cytogenetic location: 5q14.3.
Variant type: single nucleotide variant.
Coding change: c.2972T>C on transcript NM_002890.3 (MANE Select); coding-DNA position 2972, T replaced by C.
Protein change: p.Leu991Pro; replaces leucine 991 with proline.
Molecular consequence: missense variant. On other transcripts: intron variant (1).
Genome position (GRCh38, 1-based): chr5:87,389,439, T>C. VCF-style: chr5-87389439-T-C. GRCh37 (hg19) VCF-style: chr5-86685256-T-C.
Other names: c.2441T>C, p.Leu814Pro (NM_022650.3); c.933+5605A>G (NM_001364075.2); short protein forms L991P, L814P.
Identifiers: ClinVar variation 4739598 (VCV004739598.2).

ClinVar aggregate classification (germline): Uncertain significance. Review status: criteria provided, multiple submitters, no conflicts (2 of 4 stars). 2 submissions from 2 submitters: Uncertain significance (2). Last evaluated 2026-01-26.

Conditions:
Cardiovascular phenotype. Identifiers: MedGen CN230736.
Capillary malformation-arteriovenous malformation syndrome. Also called: Capillary malformation-arteriovenous malformation. Identifiers: Orphanet 137667, MedGen C1842180, MONDO:0012016.

gnomAD v4.1: 3 of 1,614,082 alleles (0.00019%); highest among the groups gnomAD compares: African/African-American, 0.0013%; no homozygotes.

Submissions (2):

Labcorp Genetics (formerly Invitae), Labcorp
Classification: Uncertain significance for Capillary malformation-arteriovenous malformation syndrome. Last evaluated: 2026-01-26. Review status: criteria provided, single submitter. Criteria: Invitae Variant Classification Sherloc (09022015). Collection method: clinical testing. Allele origin: germline.
Comment: This sequence change replaces leucine, which is neutral and non-polar, with proline, which is neutral and non-polar, at codon 991 of the RASA1 protein (p.Leu991Pro). This variant is not present in population databases (gnomAD no frequency). This variant has not been reported in the literature in individuals affected with RASA1-related conditions. An algorithm developed to predict the effect of missense changes on protein structure and function (PolyPhen-2) suggests that this variant is likely to be disruptive. In summary, the available evidence is currently insufficient to determine the role of this variant in disease. Therefore, it has been classified as a Variant of Uncertain Significance.

Ambry Genetics
Classification: Uncertain significance for Cardiovascular phenotype. Last evaluated: 2025-12-30. Review status: criteria provided, single submitter. Criteria: Ambry Variant Classification Scheme 2023. Collection method: clinical testing. Allele origin: germline.